The following is an entry in ClinVar:

NM_002210.5(ITGAV):c.1302T>C (p.Phe434=)

Genes: FAM171B-AS1 (FAM171B and ITGAV antisense RNA 1; minus strand), ITGAV (integrin subunit alpha V; plus strand). Cytogenetic location: 2q32.1.
Variant type: single nucleotide variant.
Coding change: c.1302T>C on transcript NM_002210.5 (MANE Select); coding-DNA position 1302, T replaced by C.
Protein change: p.Phe434=; no amino-acid change (phenylalanine 434 retained).
Molecular consequence: synonymous variant.
Genome position (GRCh38, 1-based): chr2:186,646,828, T>C. VCF-style: chr2-186646828-T-C. GRCh37 (hg19) VCF-style: chr2-187511555-T-C.
Other names: c.1164T>C, p.Phe388= (NM_001144999.3); c.1194T>C, p.Phe398= (NM_001145000.3).
Identifiers: ClinVar variation 3061170 (VCV003061170.2), dbSNP rs2468390167, ClinGen allele CA430303473.

ClinVar aggregate classification (germline): Likely benign (0 of 4 stars; one submission).

Conditions:
ITGAV-related disorder. Also called: ITGAV-related condition.

Submission:

PreventionGenetics, part of Exact Sciences
Classification: Likely benign for ITGAV-related condition. Last evaluated: 2024-02-15. Review status: no assertion criteria provided. Collection method: clinical testing. Allele origin: germline.
Comment: This variant is classified as likely benign based on ACMG/AMP sequence variant interpretation guidelines (Richards et al. 2015 PMID: 25741868, with internal and published modifications).